The following is an entry in ClinVar:

ClinVar aggregate classification (germline): Uncertain significance. Review status: criteria provided, multiple submitters, no conflicts (2 of 4 stars). 3 submissions from 3 submitters: Uncertain significance (3). Last evaluated 2024-08-07.

Conditions:
Cardiovascular phenotype. Identifiers: MedGen CN230736.
Dilated cardiomyopathy 1J (CMD1J). Also called: CARDIOMYOPATHY, DILATED, WITH SENSORINEURAL HEARING LOSS, AUTOSOMAL DOMINANT. Identifiers: Orphanet 217622, MedGen C1854368, MONDO:0011541, OMIM 605362.

Allele frequency attached by ClinVar (database versions not stated): gnomAD exomes below 0.00001; gnomAD 0.00001; TOPMed 0.00001.
gnomAD v4.1: 2 of 1,610,838 alleles (0.00012%); highest among the groups gnomAD compares: African/African-American, 0.0027%; no homozygotes.

Submissions (3):

Labcorp Genetics (formerly Invitae), Labcorp
Classification: Uncertain significance for Dilated cardiomyopathy 1J. Last evaluated: 2024-08-07. Review status: criteria provided, single submitter. Criteria: Invitae Variant Classification Sherloc (09022015). Collection method: clinical testing. Allele origin: germline.
Comment: This sequence change replaces alanine, which is neutral and non-polar, with threonine, which is neutral and polar, at codon 253 of the EYA4 protein (p.Ala253Thr). This variant is present in population databases (no rsID available, gnomAD 0.01%). This variant has not been reported in the literature in individuals affected with EYA4-related conditions. ClinVar contains an entry for this variant (Variation ID: 1759612). Advanced modeling of protein sequence and biophysical properties (such as structural, functional, and spatial information, amino acid conservation, physicochemical variation, residue mobility, and thermodynamic stability) performed at Invitae indicates that this missense variant is not expected to disrupt EYA4 protein function with a negative predictive value of 80%. In summary, the available evidence is currently insufficient to determine the role of this variant in disease. Therefore, it has been classified as a Variant of Uncertain Significance.

GeneDx
Classification: Uncertain significance. Last evaluated: 2023-06-05. Review status: criteria provided, single submitter. Criteria: GeneDx Variant Classification Process June 2021. Collection method: clinical testing. Allele origin: germline. Affected: yes.
Comment: Not observed at significant frequency in large population cohorts (gnomAD); In silico analysis supports that this missense variant does not alter protein structure/function; Has not been previously published as pathogenic or benign to our knowledge

Ambry Genetics
Classification: Uncertain significance for Cardiovascular phenotype. Last evaluated: 2021-11-19. Review status: criteria provided, single submitter. Criteria: Ambry Variant Classification Scheme 2023. Collection method: clinical testing. Allele origin: germline.
Comment: The p.A253T variant (also known as c.757G>A), located in coding exon 9 of the EYA4 gene, results from a G to A substitution at nucleotide position 757. The alanine at codon 253 is replaced by threonine, an amino acid with similar properties. This amino acid position is conserved. In addition, the in silico prediction for this alteration is inconclusive. Since supporting evidence is limited at this time, the clinical significance of this alteration remains unclear.

NM_004100.5(EYA4):c.757G>A (p.Ala253Thr)

Gene: EYA4 (EYA transcriptional coactivator and phosphatase 4; plus strand). Cytogenetic location: 6q23.2.
Variant type: single nucleotide variant.
Coding change: c.757G>A on transcript NM_004100.5 (MANE Select); coding-DNA position 757, G replaced by A.
Protein change: p.Ala253Thr; replaces alanine 253 with threonine.
Molecular consequence: missense variant.
Genome position (GRCh38, 1-based): chr6:133,464,811, G>A. VCF-style: chr6-133464811-G-A. GRCh37 (hg19) VCF-style: chr6-133785949-G-A.
Other names: c.595G>A, p.Ala199Thr (NM_001301012.2, NM_001370459.1); c.757G>A, p.Ala253Thr (NM_001301013.2, NM_172105.4); c.688G>A, p.Ala230Thr (NM_001370458.1, NM_172103.4); short protein forms A199T, A230T, A253T.
Identifiers: ClinVar variation 1759612 (VCV001759612.9), dbSNP rs1363627075, ClinGen allele CA365701125.